The following is an entry in ClinVar:

ClinVar aggregate classification (germline): Uncertain significance. Review status: criteria provided, multiple submitters, no conflicts (2 of 4 stars). 2 submissions from 2 submitters: Uncertain significance (2). Last evaluated 2024-06-17.

Conditions:
Inborn genetic diseases. Identifiers: MedGen C0950123, MeSH D030342.

gnomAD v4.1: 8 of 1,448,538 alleles (0.00055%); highest among the groups gnomAD compares: Non-Finnish European, 0.00072%; no homozygotes.

Submissions (2):

Ambry Genetics
Classification: Uncertain significance for Inborn genetic diseases. Last evaluated: 2024-06-17. Review status: criteria provided, single submitter. Criteria: Ambry Variant Classification Scheme 2023. Collection method: clinical testing. Allele origin: germline.

Labcorp Genetics (formerly Invitae), Labcorp
Classification: Uncertain significance. Last evaluated: 2021-04-24. Review status: criteria provided, single submitter. Criteria: Invitae Variant Classification Sherloc (09022015). Collection method: clinical testing. Allele origin: germline.
Comment: This sequence change replaces arginine with histidine at codon 468 of the SPEG protein (p.Arg468His). The arginine residue is moderately conserved and there is a small physicochemical difference between arginine and histidine. In summary, the available evidence is currently insufficient to determine the role of this variant in disease. Therefore, it has been classified as a Variant of Uncertain Significance. Algorithms developed to predict the effect of missense changes on protein structure and function (SIFT, PolyPhen-2, Align-GVGD) all suggest that this variant is likely to be tolerated, but these predictions have not been confirmed by published functional studies and their clinical significance is uncertain. This variant has not been reported in the literature in individuals with SPEG-related conditions. The frequency data for this variant in the population databases is considered unreliable, as metrics indicate insufficient coverage at this position in the ExAC database.

NM_005876.5(SPEG):c.1403G>A (p.Arg468His)

Gene: SPEG (striated muscle enriched protein kinase; plus strand). Cytogenetic location: 2q35.
Variant type: single nucleotide variant.
Coding change: c.1403G>A on transcript NM_005876.5 (MANE Select); coding-DNA position 1403, G replaced by A.
Protein change: p.Arg468His; replaces arginine 468 with histidine.
Molecular consequence: missense variant.
Genome position (GRCh38, 1-based): chr2:219,448,561, G>A. VCF-style: chr2-219448561-G-A. GRCh37 (hg19) VCF-style: chr2-220313283-G-A.
Other names: c.1403G>A (NM_005876.4); short protein forms R468H.
Identifiers: ClinVar variation 1498194 (VCV001498194.9), dbSNP rs778507387, ClinGen allele CA350719460.
Genomic context (GRCh38, chr2:219,448,561, plus strand): 5'-GCACCCCCGGGGCCTCGCAGGAAGAACTGCGGGCGCCAGGCAGCGTGGCCGAGCGGCGCC[G>A]CCTGTTCCAGCAGAAAGCGGCCTCGCTGGACGAGCGCACGCGTCAGCGCAGCCCGGCCTC-3'
Protein context (NP_005867.3, residues 458-478): RAPGSVAERR[Arg468His]LFQQKAASLD